The following is an entry in ClinVar:

NM_001943.5(DSG2):c.217-5G>T

Gene: DSG2 (desmoglein 2; plus strand). Cytogenetic location: 18q12.1.
Variant type: single nucleotide variant.
Coding change: c.217-5G>T on transcript NM_001943.5 (MANE Select); 5 bases into the intron before coding-DNA position 217, G replaced by T.
Molecular consequence: intron variant.
Genome position (GRCh38, 1-based): chr18:31,520,798, G>T. VCF-style: chr18-31520798-G-T. GRCh37 (hg19) VCF-style: chr18-29100761-G-T.
Other names: p.?.
Identifiers: ClinVar variation 44296 (VCV000044296.36), dbSNP rs80073511, ClinGen allele CA021700.

ClinVar aggregate classification (germline): Benign/Likely benign. Review status: criteria provided, multiple submitters, no conflicts (2 of 4 stars). 13 submissions from 13 submitters: Benign (8); Likely benign (1). 4 of the submissions do not count toward it. Last evaluated 2026-02-03.

Conditions:
Cardiomyopathy (CMYO). Also called: Cardiomyopathies. Identifiers: Orphanet 167848, MedGen C0878544, MONDO:0004994, HP:0001638. Inheritance: Various modes of inheritance.
Arrhythmogenic right ventricular dysplasia 10. Also called: ARRHYTHMOGENIC RIGHT VENTRICULAR DYSPLASIA, FAMILIAL, 10; Arrhythmogenic right ventricular dysplasia/cardiomyopathy, type 10; Arrhythmogenic Right Ventricular Dysplasia/Cardiomyopathy10. Identifiers: MedGen C1857777, MONDO:0012434, OMIM 610193.
Cardiovascular phenotype. Identifiers: MedGen CN230736.

Allele frequency attached by ClinVar (database versions not stated): gnomAD exomes 0.00106; ExAC 0.00362; ESP Exome Variant Server 0.01135; gnomAD 0.01156 and 0.01232; TOPMed 0.01242; 1000 Genomes Project 0.01298; 1000 Genomes Project 30x 0.01327.
gnomAD v4.1: 3,350 of 1,613,172 alleles (0.21%); highest among the groups gnomAD compares: African/African-American, 4%; 62 homozygotes.

Submissions (13):

Labcorp Genetics (formerly Invitae), Labcorp
Classification: Benign for Arrhythmogenic right ventricular dysplasia 10. Last evaluated: 2026-02-03. Review status: criteria provided, single submitter. Criteria: Invitae Variant Classification Sherloc (09022015). Collection method: clinical testing. Allele origin: germline.

Molecular Diagnostic Laboratory for Inherited Cardiovascular Disease, Montreal Heart Institute
Classification: Benign. Last evaluated: 2025-04-09. Review status: criteria provided, single submitter. Criteria: ACMG Guidelines, 2015. Collection method: clinical testing. Allele origin: germline. Affected: no.

ARUP Laboratories, Molecular Genetics and Genomics, ARUP Laboratories
Classification: Benign. Last evaluated: 2024-12-12. Review status: criteria provided, single submitter. Criteria: ARUP Molecular Germline Variant Investigation Process 2024. Collection method: clinical testing. Allele origin: germline.

Mayo Clinic Laboratories, Mayo Clinic
Classification: Benign. Last evaluated: 2019-07-22. Review status: criteria provided, single submitter. Criteria: ACMG Guidelines, 2015. Collection method: clinical testing. Allele origin: germline. Observed: 14 variant alleles.

Color Diagnostics, LLC DBA Color Health
Classification: Benign for Cardiomyopathy. Last evaluated: 2018-06-11. Review status: criteria provided, single submitter. Criteria: ACMG Guidelines, 2015. Collection method: clinical testing. Allele origin: germline.

Illumina Laboratory Services, Illumina
Classification: Likely benign for Arrhythmogenic right ventricular dysplasia 10. Last evaluated: 2018-01-13. Review status: criteria provided, single submitter. Criteria: ICSL Variant Classification Criteria 13 December 2019. Collection method: clinical testing. Allele origin: germline.
Comment: This variant was observed in the ICSL laboratory as part of a predisposition screen in an ostensibly healthy population. It had not been previously curated by ICSL or reported in the Human Gene Mutation Database (HGMD: prior to June 1st, 2018), and was therefore a candidate for classification through an automated scoring system. Utilizing variant allele frequency, disease prevalence and penetrance estimates, and inheritance mode, an automated score was calculated to assess if this variant is too frequent to cause the disease. Based on the score and internal cut-off values, a variant classified as likely benign is not then subjected to further curation. The score for this variant resulted in a classification of likely benign for this disease.

Ambry Genetics
Classification: Benign for Cardiovascular phenotype. Last evaluated: 2015-06-25. Review status: criteria provided, single submitter. Criteria: Ambry Variant Classification Scheme 2023. Collection method: clinical testing. Allele origin: germline.

GeneDx
Classification: Benign. Last evaluated: 2014-04-28. Review status: criteria provided, single submitter. Criteria: GeneDx Variant Classification (06012015). Collection method: clinical testing. Allele origin: germline. Affected: yes.
Comment: This variant is considered likely benign or benign based on one or more of the following criteria: it is a conservative change, it occurs at a poorly conserved position in the protein, it is predicted to be benign by multiple in silico algorithms, and/or has population frequency not consistent with disease.

Laboratory for Molecular Medicine, Mass General Brigham Personalized Medicine
Classification: Benign. Last evaluated: 2012-04-24. Review status: criteria provided, single submitter. Criteria: LMM Criteria. Collection method: clinical testing. Allele origin: germline. Observed: 19 variant alleles.
Comment: 217-5G>T in Intron 3 of DSG2: This variant is not expected to have clinical sign ificance because it is not located within the +/- 1,2 invariant region. It has b een identified in 2.8% (111/2898) of African American chromosomes from a broad p opulation by the NHLBI Exome Sequencing Project (S/; rs80073511).

Clinical Genetics DNA and cytogenetics Diagnostics Lab, Erasmus MC, Erasmus Medical Center
Classification: Benign. Review status: no assertion criteria provided. Collection method: clinical testing. Allele origin: germline. Affected: yes. Study: VKGL Data-share Consensus. Not counted in ClinVar's aggregate classification.

Clinical Genetics, Academic Medical Center
Classification: Benign. Review status: no assertion criteria provided. Collection method: clinical testing. Allele origin: germline. Affected: yes. Study: VKGL Data-share Consensus. Not counted in ClinVar's aggregate classification.

Diagnostic Laboratory, Department of Genetics, University Medical Center Groningen
Classification: Likely benign. Review status: no assertion criteria provided. Collection method: clinical testing. Allele origin: germline. Affected: yes. Study: VKGL Data-share Consensus. Not counted in ClinVar's aggregate classification.

Genome Diagnostics Laboratory, University Medical Center Utrecht
Classification: Benign. Review status: no assertion criteria provided. Collection method: clinical testing. Allele origin: germline. Affected: yes. Study: VKGL Data-share Consensus. Not counted in ClinVar's aggregate classification.